The following is an entry in ClinVar:

ClinVar aggregate classification (germline): Conflicting classifications of pathogenicity. Review status: criteria provided, conflicting classifications (1 of 4 stars). 5 submissions from 5 submitters: Uncertain significance (4); Likely benign (1). Last evaluated 2026-09-21.

Conditions:
Hereditary cancer-predisposing syndrome. Also called: Neoplastic Syndromes, Hereditary; Tumor predisposition; Hereditary Cancer Syndrome; Hereditary neoplastic syndrome. Identifiers: Orphanet 140162, MedGen C0027672, MeSH D009386, MONDO:0015356.
Gorlin syndrome. Also called: Nevoid Basal Cell Carcinoma Syndrome; Basal cell nevus syndrome. Identifiers: Orphanet 377, MedGen C0004779, MONDO:0007187.
PTCH1-related disorder. Also called: PTCH1-related disorders; PTCH1-related condition.

Allele frequency attached by ClinVar (database versions not stated): TOPMed below 0.00001; gnomAD 0.00001; gnomAD exomes 0.00001 and 0.00004.
gnomAD v4.1: 52 of 1,613,956 alleles (0.0032%); highest among the groups gnomAD compares: Non-Finnish European, 0.0043%; no homozygotes.

Submissions (5):

PreventionGenetics, part of Exact Sciences
Classification: Uncertain significance for PTCH1-related condition. Last evaluated: 2026-09-21. Review status: criteria provided, single submitter. Criteria: ACMG Guidelines, 2015. Collection method: clinical testing. Allele origin: germline.
Comment: The PTCH1 c.3347T>A variant is predicted to result in the amino acid substitution p.Val1116Glu. To our knowledge, this variant has not been reported in the literature. This variant is reported in 0.0026% of alleles in individuals of European (Non-Finnish) descent in gnomAD. This variant has conflicting interpretations in ClinVar ranging from uncertain to likely benign (Variation ID: 216380). At this time, the clinical significance of this variant is uncertain due to the absence of conclusive functional and genetic evidence.

Labcorp Genetics (formerly Invitae), Labcorp
Classification: Likely benign for Gorlin syndrome. Last evaluated: 2025-12-22. Review status: criteria provided, single submitter. Criteria: Invitae Variant Classification Sherloc (09022015). Collection method: clinical testing. Allele origin: germline.

Ambry Genetics
Classification: Uncertain significance for Hereditary cancer-predisposing syndrome. Last evaluated: 2024-04-30. Review status: criteria provided, single submitter. Criteria: Ambry Variant Classification Scheme 2023. Collection method: clinical testing. Allele origin: germline.
Comment: The p.V1116E variant (also known as c.3347T>A), located in coding exon 20 of the PTCH1 gene, results from a T to A substitution at nucleotide position 3347. The valine at codon 1116 is replaced by glutamic acid, an amino acid with dissimilar properties. This amino acid position is not well conserved in available vertebrate species. In addition, this alteration is predicted to be deleterious by in silico analysis. Since supporting evidence is limited at this time, the clinical significance of this alteration remains unclear.

Quest Diagnostics Nichols Institute San Juan Capistrano
Classification: Uncertain significance. Last evaluated: 2024-01-12. Review status: criteria provided, single submitter. Criteria: Quest Diagnostics criteria. Collection method: clinical testing. Allele origin: unknown.
Comment: The PTCH1 c.3347T>A (p.Val1116Glu) variant has not been reported in individuals with PTCH1-related conditions in the published literature. The frequency of this variant in the general population, 0.000026 (3/113436 chromosomes (Genome Aggregation Database)), is uninformative in the assessment of its pathogenicity. Analysis of this variant using bioinformatics tools for the prediction of the effect of amino acid changes on protein structure and function yielded predictions that this variant is damaging. Based on the available information, we are unable to determine the clinical significance of this variant.

GeneDx
Classification: Uncertain significance. Last evaluated: 2023-06-05. Review status: criteria provided, single submitter. Criteria: GeneDx Variant Classification Process June 2021. Collection method: clinical testing. Allele origin: germline. Affected: yes.
Comment: Not observed at significant frequency in large population cohorts (gnomAD); In silico analysis supports that this missense variant does not alter protein structure/function; Has not been previously published as pathogenic or benign to our knowledge; This variant is associated with the following publications: (PMID: 29641532)

NM_000264.5(PTCH1):c.3347T>A (p.Val1116Glu)

Gene: PTCH1 (patched 1; minus strand). Cytogenetic location: 9q22.32.
Variant type: single nucleotide variant.
Coding change: c.3347T>A on transcript NM_000264.5 (MANE Select); coding-DNA position 3347, T replaced by A.
Protein change: p.Val1116Glu; replaces valine 1116 with glutamic acid.
Molecular consequence: missense variant. On other transcripts: non-coding transcript variant (1).
Genome position (GRCh38, 1-based): chr9:95,453,580, A>T on the plus strand (T>A on the coding strand, the complement: PTCH1 is on the minus strand). VCF-style: chr9-95453580-A-T. GRCh37 (hg19) VCF-style: chr9-98215862-A-T.
Other names: c.3347T>A (NM_000264.4); c.3149T>A, p.Val1050Glu (NM_001083602.3); c.3344T>A, p.Val1115Glu (NM_001083603.3); c.2894T>A, p.Val965Glu (NM_001083604.3, NM_001083605.3, NM_001083606.3 and 1 more transcripts); c.3191T>A, p.Val1064Glu (NM_001354918.2); short protein forms V1050E, V1116E, V1115E, V965E, V1064E.
Identifiers: ClinVar variation 216380 (VCV000216380.18), dbSNP rs863224653, ClinGen allele CA338689.